The following is an entry in ClinVar:

ClinVar aggregate classification (germline): Uncertain significance. Review status: criteria provided, multiple submitters, no conflicts (2 of 4 stars). 3 submissions from 3 submitters: Uncertain significance (3). Last evaluated 2020-03-24.

Conditions:
Episodic kinesigenic dyskinesia (EKD). Also called: Paroxysmal kinesigenic dyskinesia. Identifiers: Orphanet 98809, MedGen C1868682, MONDO:0044202.

Submissions (3):

Labcorp Genetics (formerly Invitae), Labcorp
Classification: Uncertain significance for Episodic kinesigenic dyskinesia. Last evaluated: 2020-03-24. Review status: criteria provided, single submitter. Criteria: Invitae Variant Classification Sherloc (09022015). Collection method: clinical testing. Allele origin: germline.
Comment: In summary, the available evidence is currently insufficient to determine the role of this variant in disease. Therefore, it has been classified as a Variant of Uncertain Significance. Algorithms developed to predict the effect of missense changes on protein structure and function are either unavailable or do not agree on the potential impact of this missense change (SIFT: "Deleterious"; PolyPhen-2: "Benign"; Align-GVGD: "Class C0"). This variant has not been reported in the literature in individuals with PRRT2-related conditions. ClinVar contains an entry for this variant (Variation ID: 546491). This variant is not present in population databases (ExAC no frequency). This sequence change replaces threonine with asparagine at codon 74 of the PRRT2 protein (p.Thr74Asn). The threonine residue is highly conserved and there is a small physicochemical difference between threonine and asparagine.

CeGaT Center for Human Genetics Tuebingen
Classification: Uncertain significance. Last evaluated: 2018-07-01. Review status: criteria provided, single submitter. Criteria: CeGaT Center For Human Genetics Tuebingen Variant Classification Criteria Version 2. Collection method: clinical testing. Allele origin: germline. Affected: yes. Observed: 1 variant allele.

GeneDx
Classification: Uncertain significance. Last evaluated: 2018-05-24. Review status: criteria provided, single submitter. Criteria: GeneDx Variant Classification (06012015). Collection method: clinical testing. Allele origin: germline. Affected: yes.
Comment: A variant of uncertain significance has been identified in the PRRT2 gene. The T74N variant has not been published as a pathogenic variant, nor has it been reported as a benign variant to our knowledge. The T74N variant is not observed in large population cohorts (Lek et al., 2016). However, the T74N variant is a conservative amino acid substitution, which is not likely to impact secondary protein structure as these residues share similar properties. In-silico analyses, including protein predictors and evolutionary conservation, support that this variant does not alter protein structure/function. Therefore, based on the currently available information, it is unclear whether this variant is a pathogenic variant or a rare benign variant.

NM_145239.3(PRRT2):c.221C>A (p.Thr74Asn)

Genes: MVP-DT (MVP divergent transcript; minus strand), PRRT2 (proline rich transmembrane protein 2; plus strand). Cytogenetic location: 16p11.2.
Variant type: single nucleotide variant.
Coding change: c.221C>A on transcript NM_145239.3 (MANE Select); coding-DNA position 221, C replaced by A.
Protein change: p.Thr74Asn; replaces threonine 74 with asparagine.
Molecular consequence: missense variant.
Genome position (GRCh38, 1-based): chr16:29,813,275, C>A. VCF-style: chr16-29813275-C-A. GRCh37 (hg19) VCF-style: chr16-29824596-C-A.
Other names: c.221C>A, p.Thr74Asn (NM_001256442.2, NM_001256443.2); short protein forms T74N.
Identifiers: ClinVar variation 546491 (VCV000546491.51), dbSNP rs1394261454, ClinGen allele CA395477735.
Genomic context (GRCh38, chr16:29,813,275, plus strand): 5'-CCACTGCGGCCCCTGTGGACTCAGGGCCCAAGGCTGGGCTGGCTCCAGAAACCACAGAGA[C>A]CCCGGCTGGGGCCTCAGAAACAGCCCAGGCCACAGACCTCAGCTTAAGCCCAGGAGGGGA-3'
Protein context (NP_660282.2, residues 64-84): KAGLAPETTE[Thr74Asn]PAGASETAQA